The following is an entry in ClinVar:

NM_024589.3(ROGDI):c.201-1G>C

Gene: ROGDI (rogdi atypical leucine zipper; minus strand). Cytogenetic location: 16p13.3.
Variant type: single nucleotide variant.
Coding change: c.201-1G>C on transcript NM_024589.3 (MANE Select); the canonical splice acceptor site of the intron before coding-DNA position 201, G replaced by C.
Molecular consequence: splice acceptor variant.
Genome position (GRCh38, 1-based): chr16:4,801,322, C>G on the plus strand (G>C on the coding strand, the complement: ROGDI is on the minus strand). VCF-style: chr16-4801322-C-G. GRCh37 (hg19) VCF-style: chr16-4851323-C-G.
Identifiers: ClinVar variation 961208 (VCV000961208.8), dbSNP rs1473111275, ClinGen allele CA394654974.
Genomic context (GRCh38, chr16:4,801,322, plus strand): 5'-CTCACCGCCTGGCTGAGGGCATCCCCCTGCAGAGTCAGCACACCCTTCACCTGGTCTGTG[C>G]TGTAACATGTGGCGTCAGAGCGGTGCCTGTGGTCACCCCCCCACCACCCAGCCCTCCCTC-3'

ClinVar aggregate classification (germline): Likely pathogenic (1 of 4 stars; one submission).

Conditions:
Amelocerebrohypohidrotic syndrome (KTZS). Also called: EPILEPSY AND YELLOW TEETH; EPILEPSY, DEMENTIA, AND AMELOGENESIS IMPERFECTA; KOHLSCHUTTER SYNDROME; Kohlschutter's syndrome. Identifiers: Orphanet 1946, MedGen C0406740, MONDO:0009185, OMIM 226750.

Submission:

Labcorp Genetics (formerly Invitae), Labcorp
Classification: Likely pathogenic for Amelocerebrohypohidrotic syndrome. Last evaluated: 2024-02-26. Review status: criteria provided, single submitter. Criteria: Invitae Variant Classification Sherloc (09022015). Collection method: clinical testing. Allele origin: germline.
Comment: This sequence change affects an acceptor splice site in intron 3 of the ROGDI gene. It is expected to disrupt RNA splicing. Variants that disrupt the donor or acceptor splice site typically lead to a loss of protein function (PMID: 16199547), and loss-of-function variants in ROGDI are known to be pathogenic (PMID: 22424600, 23086778). This variant is not present in population databases (gnomAD no frequency). Disruption of this splice site has been observed in individual(s) with Kohlschutter-Tonz syndrome (PMID: 33866847). ClinVar contains an entry for this variant (Variation ID: 961208). Algorithms developed to predict the effect of sequence changes on RNA splicing suggest that this variant may disrupt the consensus splice site. In summary, the currently available evidence indicates that the variant is pathogenic, but additional data are needed to prove that conclusively. Therefore, this variant has been classified as Likely Pathogenic.

Literature cited by the submitters: PubMed 16199547; PubMed 22424600; PubMed 23086778; PubMed 33866847.